The following is an entry in ClinVar:

ClinVar aggregate classification (germline): Uncertain significance (1 of 4 stars; one submission).

Conditions:
Inborn genetic diseases. Identifiers: MedGen C0950123, MeSH D030342.

Allele frequency attached by ClinVar (database versions not stated): TOPMed below 0.00001.

Submission:

Ambry Genetics
Classification: Uncertain significance for Inborn genetic diseases. Last evaluated: 2022-07-26. Review status: criteria provided, single submitter. Criteria: Ambry Variant Classification Scheme 2023. Collection method: clinical testing. Allele origin: germline.
Comment: The p.K1056N variant (also known as c.3168A>T), located in coding exon 24 of the LRRK2 gene, results from an A to T substitution at nucleotide position 3168. The lysine at codon 1056 is replaced by asparagine, an amino acid with similar properties. This amino acid position is conserved. In addition, this alteration is predicted to be tolerated by in silico analysis. Since supporting evidence is limited at this time, the clinical significance of this alteration remains unclear.

NM_198578.4(LRRK2):c.3168A>T (p.Lys1056Asn)

Gene: LRRK2 (leucine rich repeat kinase 2; plus strand). Cytogenetic location: 12q12.
Variant type: single nucleotide variant.
Coding change: c.3168A>T on transcript NM_198578.4 (MANE Select); coding-DNA position 3168, A replaced by T.
Protein change: p.Lys1056Asn; replaces lysine 1056 with asparagine.
Molecular consequence: missense variant.
Genome position (GRCh38, 1-based): chr12:40,298,314, A>T. VCF-style: chr12-40298314-A-T. GRCh37 (hg19) VCF-style: chr12-40692116-A-T.
Other names: short protein forms K1056N.
Identifiers: ClinVar variation 1728385 (VCV001728385.2), dbSNP rs1240415708, ClinGen allele CA384414339.